The following is an entry in ClinVar:

ClinVar aggregate classification (germline): Pathogenic. Review status: criteria provided, multiple submitters, no conflicts (2 of 4 stars). 3 submissions from 3 submitters: Pathogenic (3). Last evaluated 2024-12-17.

Submissions (3):

GeneDx
Classification: Pathogenic. Last evaluated: 2024-12-17. Review status: criteria provided, single submitter. Criteria: GeneDx Variant Classification Process June 2021. Collection method: clinical testing. Allele origin: germline. Affected: yes.
Comment: Nonsense variant predicted to result in protein truncation or nonsense mediated decay in a gene for which loss of function is a known mechanism of disease; Not observed at significant frequency in large population cohorts (gnomAD); This variant is associated with the following publications: (PMID: 32005694)

CeGaT Center for Human Genetics Tuebingen
Classification: Pathogenic. Last evaluated: 2022-11-01. Review status: criteria provided, single submitter. Criteria: CeGaT Center For Human Genetics Tuebingen Variant Classification Criteria Version 2. Collection method: clinical testing. Allele origin: germline. Affected: yes. Observed: 2 variant alleles.
Comment: PMP22: PVS1, PM2, PS4:Supporting

Eurofins Ntd Llc (ga)
Classification: Pathogenic. Last evaluated: 2015-08-13. Review status: criteria provided, single submitter. Criteria: EGL Classification Definitions 2015. Collection method: clinical testing. Allele origin: germline. Observed: 1 variant allele, 1 heterozygote.

Literature cited by the submitters: PubMed 25429913 (cited by Eurofins Ntd Llc (ga)).

NM_000304.4(PMP22):c.117G>A (p.Trp39Ter)

Gene: PMP22 (peripheral myelin protein 22; minus strand). Cytogenetic location: 17p12.
Variant type: single nucleotide variant.
Coding change: c.117G>A on transcript NM_000304.4 (MANE Select); coding-DNA position 117, G replaced by A.
Protein change: p.Trp39Ter; replaces tryptophan 39 with a stop codon.
Molecular consequence: nonsense. On other transcripts: non-coding transcript variant (1).
Genome position (GRCh38, 1-based): chr17:15,259,155, C>T on the plus strand (G>A on the coding strand, the complement: PMP22 is on the minus strand). VCF-style: chr17-15259155-C-T. GRCh37 (hg19) VCF-style: chr17-15162472-C-T.
Other names: c.117G>A (NM_000304.2); c.117G>A, p.Trp39Ter (NM_001281455.2, NM_001281456.2, NM_001330143.2 and 2 more transcripts); short protein forms W39*.
Identifiers: ClinVar variation 282384 (VCV000282384.44), dbSNP rs797044846, ClinGen allele CA10604162.